The following is an entry in ClinVar:

NM_002296.4(LBR):c.*1532G>A

Gene: LBR (lamin B receptor; minus strand). Cytogenetic location: 1q42.12.
Variant type: single nucleotide variant.
Coding change: c.*1532G>A on transcript NM_002296.4 (MANE Select); 1532 bases downstream of the stop codon, G replaced by A.
Molecular consequence: 3 prime UTR variant.
Genome position (GRCh38, 1-based): chr1:225,401,771, C>T on the plus strand (G>A on the coding strand, the complement: LBR is on the minus strand). VCF-style: chr1-225401771-C-T. GRCh37 (hg19) VCF-style: chr1-225589473-C-T.
Other names: c.*1532G>A (NM_194442.3).
Identifiers: ClinVar variation 295917 (VCV000295917.6), dbSNP rs7406, ClinGen allele CA10610133.

ClinVar aggregate classification (germline): Benign. Review status: criteria provided, multiple submitters, no conflicts (2 of 4 stars). 2 submissions from 2 submitters: Benign (2). Last evaluated 2018-01-13.

Conditions:
Greenberg dysplasia (GRBGD). Also called: CHONDRODYSTROPHY, HYDROPIC AND PRENATALLY LETHAL TYPE; MOTH-EATEN SKELETAL DYSPLASIA; HEM SKELETAL DYSPLASIA. Identifiers: Orphanet 1426, MedGen C2931048, MONDO:0008974, OMIM 215140.

Allele frequency attached by ClinVar (database versions not stated): gnomAD 0.25352 and 0.25845; TOPMed 0.26070; 1000 Genomes Project 0.27256; 1000 Genomes Project 30x 0.28139; gnomAD exomes 0.33333.
gnomAD v4.1: 38,443 of 152,100 alleles (25%); highest among the groups gnomAD compares: African/African-American, 51%; 6,973 homozygotes.

Submissions (2):

Illumina Laboratory Services, Illumina
Classification: Benign for Greenberg dysplasia. Last evaluated: 2018-01-13. Review status: criteria provided, single submitter. Criteria: ICSL Variant Classification Criteria 13 December 2019. Collection method: clinical testing. Allele origin: germline.
Comment: This variant was observed in the ICSL laboratory as part of a predisposition screen in an ostensibly healthy population. It had not been previously curated by ICSL or reported in the Human Gene Mutation Database (HGMD: prior to June 1st, 2018), and was therefore a candidate for classification through an automated scoring system. Utilizing variant allele frequency, disease prevalence and penetrance estimates, and inheritance mode, an automated score was calculated to assess if this variant is too frequent to cause the disease. Based on the score and internal cut-off values, a variant classified as benign is not then subjected to further curation. The score for this variant resulted in a classification of benign for this disease.

Breakthrough Genomics
Classification: Benign. Review status: criteria provided, single submitter. Criteria: ACMG Guidelines, 2015. Collection method: not provided. Allele origin: germline. Inheritance: Autosomal recessive inheritance. Affected: yes.